The following is an entry in ClinVar:

ClinVar aggregate classification (germline): Conflicting classifications of pathogenicity. Review status: criteria provided, conflicting classifications (1 of 4 stars). 9 submissions from 9 submitters: Uncertain significance (4); Likely benign (2). 3 of the submissions do not count toward it. Last evaluated 2026-01-21.

Conditions:
Trichohepatoenteric syndrome 1 (THES1). Also called: DIARRHEA, FATAL INFANTILE, WITH TRICHORRHEXIS NODOSA. Identifiers: Orphanet 84064, MedGen C4551982, MONDO:0024541, OMIM 222470.

Allele frequency attached by ClinVar (database versions not stated): gnomAD 0.00018 and 0.00025; TOPMed 0.00028; ESP Exome Variant Server 0.00031; gnomAD exomes 0.00044 and 0.00062; 1000 Genomes Project 30x 0.00047; 1000 Genomes Project 0.00060; ExAC 0.00071.
gnomAD v4.1: 694 of 1,613,796 alleles (0.043%); highest among the groups gnomAD compares: South Asian, 0.3%; 3 homozygotes.

Submissions (9):

Labcorp Genetics (formerly Invitae), Labcorp
Classification: Likely benign. Last evaluated: 2026-01-21. Review status: criteria provided, single submitter. Criteria: Invitae Variant Classification Sherloc (09022015). Collection method: clinical testing. Allele origin: germline.

CeGaT Center for Human Genetics Tuebingen
Classification: Likely benign. Last evaluated: 2025-08-01. Review status: criteria provided, single submitter. Criteria: CeGaT Center For Human Genetics Tuebingen Variant Classification Criteria Version 2. Collection method: clinical testing. Allele origin: germline. Affected: yes. Observed: 3 variant alleles.
Comment: SKIC3: BP4, BS2

GeneDx
Classification: Uncertain significance. Last evaluated: 2024-06-04. Review status: criteria provided, single submitter. Criteria: GeneDx Variant Classification Process June 2021. Collection method: clinical testing. Allele origin: germline. Affected: yes.
Comment: In silico analysis indicates that this missense variant does not alter protein structure/function; This variant is associated with the following publications: (PMID: 23302111, 34426522, 29868001, 29527791, 21120949, 27035375, 37384835)

Center for Genomics, Ann and Robert H. Lurie Children's Hospital of Chicago
Classification: Uncertain significance for Trichohepatoenteric syndrome 1. Last evaluated: 2022-01-27. Review status: criteria provided, single submitter. Criteria: ACMG Guidelines, 2015. Collection method: clinical testing. Allele origin: germline.
Comment: TTC37 NM_014639.3 exon 37 p.Pro1270Ala (c.3808C>G): This variant has been reported in the literature in at least 2 individuals with trichohepatoenteric syndrome (Fabre 2011 PMID:21120949, Busoni 2017 PMID:28027214, Vely 2018 PMID:29868001). This variant is present in 0.02% (19/68016) of European alleles in the Genome Aggregation Database. This variant is present in ClinVar (Variation ID:430077). Evolutionary conservation suggests that this variant may impact the protein; computational predictive tools suggest that this variant may not impact the protein. In summary, data on this variant is insufficient for disease classification. Therefore, the clinical significance of this variant is uncertain.

Dubai Health Genomic Medicine Center, Dubai Health
Classification: Uncertain significance for Trichohepatoenteric syndrome 1. Last evaluated: 2020-07-21. Review status: criteria provided, single submitter. Criteria: ACMG Guidelines, 2015. Collection method: clinical testing. Allele origin: germline. Affected: yes.

Fulgent Genetics
Classification: Uncertain significance for Trichohepatoenteric syndrome 1. Last evaluated: 2018-10-31. Review status: criteria provided, single submitter. Criteria: ACMG Guidelines, 2015. Collection method: clinical testing. Allele origin: unknown.

Clinical Genetics DNA and cytogenetics Diagnostics Lab, Erasmus MC, Erasmus Medical Center
Classification: Uncertain significance. Review status: no assertion criteria provided. Collection method: clinical testing. Allele origin: germline. Affected: yes. Study: VKGL Data-share Consensus. Not counted in ClinVar's aggregate classification.

Diagnostic Laboratory, Department of Genetics, University Medical Center Groningen
Classification: Uncertain significance. Review status: no assertion criteria provided. Collection method: clinical testing. Allele origin: germline. Affected: yes. Study: VKGL Data-share Consensus. Not counted in ClinVar's aggregate classification.

Genome Diagnostics Laboratory, Amsterdam University Medical Center
Classification: Uncertain significance. Review status: no assertion criteria provided. Collection method: clinical testing. Allele origin: germline. Affected: yes. Study: VKGL Data-share Consensus. Not counted in ClinVar's aggregate classification.

NM_014639.4(SKIC3):c.3808C>G (p.Pro1270Ala)

Gene: SKIC3 (SKI3 subunit of superkiller complex; minus strand). Cytogenetic location: 5q15.
Variant type: single nucleotide variant.
Coding change: c.3808C>G on transcript NM_014639.4 (MANE Select); coding-DNA position 3808, C replaced by G.
Protein change: p.Pro1270Ala; replaces proline 1270 with alanine.
Molecular consequence: missense variant.
Genome position (GRCh38, 1-based): chr5:95,491,031, G>C on the plus strand (C>G on the coding strand, the complement: SKIC3 is on the minus strand). VCF-style: chr5-95491031-G-C. GRCh37 (hg19) VCF-style: chr5-94826735-G-C.
Other names: short protein forms P1270A.
Identifiers: ClinVar variation 430077 (VCV000430077.32), dbSNP rs146627706, ClinGen allele CA3346581.